The following is an entry in ClinVar:

ClinVar aggregate classification (germline): Uncertain significance (1 of 4 stars; one submission).

Conditions:
Kabuki syndrome. Also called: Kabuki make-up syndrome; NIIKAWA-KUROKI SYNDROME. Identifiers: Orphanet 2322, MedGen C0796004, MONDO:0016512.

Allele frequency attached by ClinVar (database versions not stated): TOPMed below 0.00001.

Submission:

Labcorp Genetics (formerly Invitae), Labcorp
Classification: Uncertain significance for Kabuki syndrome. Last evaluated: 2023-03-01. Review status: criteria provided, single submitter. Criteria: Invitae Variant Classification Sherloc (09022015). Collection method: clinical testing. Allele origin: germline.
Comment: This sequence change replaces aspartic acid, which is acidic and polar, with glycine, which is neutral and non-polar, at codon 1113 of the KMT2D protein (p.Asp1113Gly). This variant is not present in population databases (gnomAD no frequency). This variant has not been reported in the literature in individuals affected with KMT2D-related conditions. ClinVar contains an entry for this variant (Variation ID: 1410291). Advanced modeling of protein sequence and biophysical properties (such as structural, functional, and spatial information, amino acid conservation, physicochemical variation, residue mobility, and thermodynamic stability) performed at Invitae indicates that this missense variant is not expected to disrupt KMT2D protein function. In summary, the available evidence is currently insufficient to determine the role of this variant in disease. Therefore, it has been classified as a Variant of Uncertain Significance.

NM_003482.4(KMT2D):c.3338A>G (p.Asp1113Gly)

Gene: KMT2D (lysine methyltransferase 2D; minus strand). Cytogenetic location: 12q13.12.
Variant type: single nucleotide variant.
Coding change: c.3338A>G on transcript NM_003482.4 (MANE Select); coding-DNA position 3338, A replaced by G.
Protein change: p.Asp1113Gly; replaces aspartic acid 1113 with glycine.
Molecular consequence: missense variant.
Genome position (GRCh38, 1-based): chr12:49,050,250, T>C on the plus strand (A>G on the coding strand, the complement: KMT2D is on the minus strand). VCF-style: chr12-49050250-T-C. GRCh37 (hg19) VCF-style: chr12-49444033-T-C.
Other names: short protein forms D1113G.
Identifiers: ClinVar variation 1410291 (VCV001410291.6), dbSNP rs1937867872, ClinGen allele CA384657340.
Genomic context (GRCh38, chr12:49,050,250, plus strand): 5'-GAACCCGGAGCATCAATCCCATCCAGAGGGGCTGTGTCTTCCCCTAGGCCAGAGAAGTCA[T>C]CCAGGGCTGGGGCAGGGCTGGGGGCGGGGCAGGAAAGGTCCCCCATTGGGGAAGGGAGAG-3'
Protein context (NP_003473.3, residues 1103-1123): CPAPSPAPAL[Asp1113Gly]DFSGLGEDTA